The following is an entry in ClinVar:

NM_006393.3(NEBL):c.2395C>G (p.Pro799Ala)

Gene: NEBL (nebulette; minus strand). Cytogenetic location: 10p12.31.
Variant type: single nucleotide variant.
Coding change: c.2395C>G on transcript NM_006393.3 (MANE Select); coding-DNA position 2395, C replaced by G.
Protein change: p.Pro799Ala; replaces proline 799 with alanine.
Molecular consequence: missense variant.
Genome position (GRCh38, 1-based): chr10:20,812,892, G>C on the plus strand (C>G on the coding strand, the complement: NEBL is on the minus strand). VCF-style: chr10-20812892-G-C. GRCh37 (hg19) VCF-style: chr10-21101821-G-C.
Other names: c.406C>G, p.Pro136Ala (NM_001173484.2, NM_001377322.1, NM_213569.2); c.358C>G, p.Pro120Ala (NM_001377323.1); c.349C>G, p.Pro117Ala (NM_001377324.1); c.340C>G, p.Pro114Ala (NM_001377325.1); c.298C>G, p.Pro100Ala (NM_001377326.1, NM_001377327.1, NM_001377328.1); short protein forms P120A, P114A, P136A, P799A, P117A, P100A.
Identifiers: ClinVar variation 1790609 (VCV001790609.2), dbSNP rs566320226, ClinGen allele CA5432493.

ClinVar aggregate classification (germline): Uncertain significance (1 of 4 stars; one submission).

gnomAD v4.1: 1 of 1,613,990 alleles (0.000062%); highest among the groups gnomAD compares: African/African-American, 0.0013%; no homozygotes.

Submission:

Ambry Genetics
Classification: Uncertain significance. Last evaluated: 2022-10-11. Review status: criteria provided, single submitter. Criteria: Ambry Variant Classification Scheme 2023. Collection method: clinical testing. Allele origin: germline.
Comment: The p.P799A variant (also known as c.2395C>G), located in coding exon 24 of the NEBL gene, results from a C to G substitution at nucleotide position 2395. The proline at codon 799 is replaced by alanine, an amino acid with highly similar properties. This amino acid position is conserved. In addition, this alteration is predicted to be tolerated by in silico analysis. Since supporting evidence is limited at this time, the clinical significance of this alteration remains unclear.